The following is an entry in ClinVar:

NM_024301.5(FKRP):c.1213G>A (p.Val405Met)

Gene: FKRP (fukutin related protein; plus strand). Cytogenetic location: 19q13.32.
Variant type: single nucleotide variant.
Coding change: c.1213G>A on transcript NM_024301.5 (MANE Select); coding-DNA position 1213, G replaced by A.
Protein change: p.Val405Met; replaces valine 405 with methionine.
Molecular consequence: missense variant.
Genome position (GRCh38, 1-based): chr19:46,756,663, G>A. VCF-style: chr19-46756663-G-A. GRCh37 (hg19) VCF-style: chr19-47259920-G-A.
Other names: c.1213G>A, p.Val405Met (NM_001039885.3); short protein forms V405M.
Identifiers: ClinVar variation 4797562 (VCV004797562.2).

ClinVar aggregate classification (germline): Conflicting classifications of pathogenicity. Review status: criteria provided, conflicting classifications (1 of 4 stars). 2 submissions from 2 submitters: Likely pathogenic (1); Uncertain significance (1). Last evaluated 2026-06-12.

Conditions:
Myopathy caused by variation in FKRP. Identifiers: MedGen CN305637, MONDO:0700066.
Walker-Warburg congenital muscular dystrophy. Also called: Muscular dystrophy-dystroglycanopathy, type A; Walker-Warburg syndrome. Identifiers: Orphanet 899, MedGen C0265221, MONDO:0000171.

gnomAD v4.1: 4 of 1,613,498 alleles (0.00025%); highest among the groups gnomAD compares: Non-Finnish European, 0.00034%; no homozygotes.

Submissions (2):

Myriad Genetics, Inc.
Classification: Uncertain significance for Myopathy caused by variation in FKRP. Last evaluated: 2026-06-12. Review status: criteria provided, single submitter. Criteria: Myriad Autosomal Dominant, Autosomal Recessive and X-Linked Classification Criteria (2023). Collection method: clinical testing. Allele origin: unknown.
Comment: NM_024301.4(FKRP):c.1213G>A(V405M) is a missense variant classified as a variant of uncertain significance in the context of FKRP-related disorders. V405M has not been observed in cases with relevant disease. Relevant functional assessments of this variant are not available in the literature. V405M has been observed in referenced population frequency databases. In summary, there is insufficient evidence to classify NM_024301.4(FKRP):c.1213G>A(V405M) as pathogenic or benign. Please note: this variant was assessed in the context of healthy population screening.

Labcorp Genetics (formerly Invitae), Labcorp
Classification: Likely pathogenic for Walker-Warburg congenital muscular dystrophy. Last evaluated: 2025-07-30. Review status: criteria provided, single submitter. Criteria: Invitae Variant Classification Sherloc (09022015). Collection method: clinical testing. Allele origin: germline.
Comment: This sequence change replaces valine, which is neutral and non-polar, with methionine, which is neutral and non-polar, at codon 405 of the FKRP protein (p.Val405Met). This variant is present in population databases (no rsID available, gnomAD 0.0009%). This variant has not been reported in the literature in individuals affected with FKRP-related conditions. Invitae Evidence Modeling of protein sequence and biophysical properties (such as structural, functional, and spatial information, amino acid conservation, physicochemical variation, residue mobility, and thermodynamic stability) indicates that this missense variant is expected to disrupt FKRP protein function with a positive predictive value of 95%. This variant disrupts the p.Val405 amino acid residue in FKRP. Other variant(s) that disrupt this residue have been determined to be pathogenic (PMID: 14652796, 33146414). This suggests that this residue is clinically significant, and that variants that disrupt this residue are likely to be disease-causing. In summary, the currently available evidence indicates that the variant is pathogenic, but additional data are needed to prove that conclusively. Therefore, this variant has been classified as Likely Pathogenic.

Literature cited by the submitters: PubMed 14652796 (cited by Labcorp Genetics (formerly Invitae), Labcorp); PubMed 33146414 (cited by Labcorp Genetics (formerly Invitae), Labcorp).